The following is an entry in ClinVar:

ClinVar aggregate classification (germline): Uncertain significance (1 of 4 stars; one submission).

Conditions:
Methylcobalamin deficiency type cblE (HMAE). Also called: HOMOCYSTINURIA-MEGALOBLASTIC ANEMIA, cblE TYPE; VITAMIN B12-RESPONSIVE HOMOCYSTINURIA, cblE TYPE; HOMOCYSTINURIA-MEGALOBLASTIC ANEMIA, cblE COMPLEMENTATION TYPE. Identifiers: Orphanet 2169, Orphanet 622, MedGen C1856057, MONDO:0009354, OMIM 236270.

Allele frequency attached by ClinVar (database versions not stated): gnomAD exomes below 0.00001.
gnomAD v4.1: 2 of 1,603,434 alleles (0.00012%); highest among the groups gnomAD compares: African/African-American, 0.0027%; no homozygotes.

Submission:

Labcorp Genetics (formerly Invitae), Labcorp
Classification: Uncertain significance for Methylcobalamin deficiency type cblE. Last evaluated: 2022-02-14. Review status: criteria provided, single submitter. Criteria: Invitae Variant Classification Sherloc (09022015). Collection method: clinical testing. Allele origin: germline.
Comment: This sequence change falls in intron 8 of the MTRR gene. It does not directly change the encoded amino acid sequence of the MTRR protein. It affects a nucleotide within the consensus splice site. This variant is not present in population databases (gnomAD no frequency). This variant has not been reported in the literature in individuals affected with MTRR-related conditions. Variants that disrupt the consensus splice site are a relatively common cause of aberrant splicing (PMID: 17576681, 9536098). Algorithms developed to predict the effect of sequence changes on RNA splicing suggest that this variant may disrupt the consensus splice site. In summary, the available evidence is currently insufficient to determine the role of this variant in disease. Therefore, it has been classified as a Variant of Uncertain Significance.

Literature cited by the submitters: PubMed 17576681; PubMed 9536098.

NM_002454.3(MTRR):c.1146+3A>G

Gene: MTRR (5-methyltetrahydrofolate-homocysteine methyltransferase reductase; plus strand). Cytogenetic location: 5p15.31.
Variant type: single nucleotide variant.
Coding change: c.1146+3A>G on transcript NM_002454.3 (MANE Select); 3 bases into the intron after coding-DNA position 1146, A replaced by G.
Molecular consequence: intron variant. On other transcripts: non-coding transcript variant (4).
Genome position (GRCh38, 1-based): chr5:7,886,706, A>G. VCF-style: chr5-7886706-A-G. GRCh37 (hg19) VCF-style: chr5-7886819-A-G.
Other names: c.1146+3A>G (NM_001364440.2, NM_001364441.2, NM_001364442.2 and 1 more transcripts).
Identifiers: ClinVar variation 1913665 (VCV001913665.2), dbSNP rs1454524530, ClinGen allele CA814256117.